The following is an entry in ClinVar:

ClinVar aggregate classification (germline): Conflicting classifications of pathogenicity. Review status: criteria provided, conflicting classifications (1 of 4 stars). 6 submissions from 6 submitters: Uncertain significance (5); Likely benign (1). Last evaluated 2026-01-05.

Conditions:
Inborn genetic diseases. Identifiers: MedGen C0950123, MeSH D030342.

Allele frequency attached by ClinVar (database versions not stated): gnomAD exomes 0.00006 and 0.00011; TOPMed 0.00045; 1000 Genomes Project 0.00080; 1000 Genomes Project 30x 0.00156.

Submissions (6):

Women's Health and Genetics/Laboratory Corporation of America, LabCorp
Classification: Uncertain significance. Last evaluated: 2026-01-05. Review status: criteria provided, single submitter. Criteria: LabCorp Variant Classification Summary - May 2015. Collection method: clinical testing. Allele origin: germline.
Comment: Variant summary: HPS6 c.322G>T (p.Val108Leu) results in a conservative amino acid change in the encoded protein sequence. Algorithms developed to predict the effect of missense changes on protein structure and function all suggest that this variant is likely to be tolerated. The variant allele was found at a frequency of 0.00011 in 87796 control chromosomes. This frequency is not significantly higher than estimated for disease-causing variants in HPS6, allowing no conclusion about variant significance. To our knowledge, no occurrence of c.322G>T in individuals affected with HPS6-related conditions and no experimental evidence demonstrating its impact on protein function have been reported. ClinVar contains an entry for this variant (Variation ID: 1354472). Based on the evidence outlined above, the variant was classified as uncertain significance.

Mayo Clinic Laboratories, Mayo Clinic
Classification: Uncertain significance. Last evaluated: 2025-01-10. Review status: criteria provided, single submitter. Criteria: ACMG Guidelines, 2015. Collection method: clinical testing. Allele origin: germline. Observed: 1 variant allele.
Comment: BP4_moderate

Blueprint Genetics
Classification: Likely benign. Last evaluated: 2024-08-30. Review status: criteria provided, single submitter. Criteria: ACMG Guidelines, 2015. Collection method: clinical testing. Allele origin: germline.

Labcorp Genetics (formerly Invitae), Labcorp
Classification: Uncertain significance. Last evaluated: 2022-09-06. Review status: criteria provided, single submitter. Criteria: Invitae Variant Classification Sherloc (09022015). Collection method: clinical testing. Allele origin: germline.
Comment: This sequence change replaces valine, which is neutral and non-polar, with leucine, which is neutral and non-polar, at codon 108 of the HPS6 protein (p.Val108Leu). This variant is present in population databases (rs142777642, gnomAD 0.1%). This variant has not been reported in the literature in individuals affected with HPS6-related conditions. ClinVar contains an entry for this variant (Variation ID: 1354472). Algorithms developed to predict the effect of missense changes on protein structure and function output the following: SIFT: "Tolerated"; PolyPhen-2: "Benign"; Align-GVGD: "Class C0". The leucine amino acid residue is found in multiple mammalian species, which suggests that this missense change does not adversely affect protein function. In summary, the available evidence is currently insufficient to determine the role of this variant in disease. Therefore, it has been classified as a Variant of Uncertain Significance.

Ambry Genetics
Classification: Uncertain significance for Inborn genetic diseases. Last evaluated: 2021-07-09. Review status: criteria provided, single submitter. Criteria: Ambry Variant Classification Scheme 2023. Collection method: clinical testing. Allele origin: germline.

Breakthrough Genomics
Classification: Uncertain significance. Review status: criteria provided, single submitter. Criteria: ACMG Guidelines, 2015. Collection method: not provided. Allele origin: germline. Inheritance: Autosomal recessive inheritance. Affected: yes.

NM_024747.6(HPS6):c.322G>T (p.Val108Leu)

Gene: HPS6 (HPS6 biogenesis of lysosomal organelles complex 2 subunit 3; plus strand). Cytogenetic location: 10q24.32.
Variant type: single nucleotide variant.
Coding change: c.322G>T on transcript NM_024747.6 (MANE Select); coding-DNA position 322, G replaced by T.
Protein change: p.Val108Leu; replaces valine 108 with leucine.
Molecular consequence: missense variant.
Genome position (GRCh38, 1-based): chr10:102,065,796, G>T. VCF-style: chr10-102065796-G-T. GRCh37 (hg19) VCF-style: chr10-103825553-G-T.
Other names: p.Val108Leu; c.322G>T (NM_024747.5); short protein forms V108L.
Identifiers: ClinVar variation 1354472 (VCV001354472.8), dbSNP rs142777642, ClinGen allele CA212199992.